The following is an entry in ClinVar:

NM_024649.5(BBS1):c.999G>T (p.Met333Ile)

Genes: BBS1 (Bardet-Biedl syndrome 1; plus strand), ZDHHC24 (zDHHC palmitoyltransferase 24; minus strand). Cytogenetic location: 11q13.2.
Variant type: single nucleotide variant.
Coding change: c.999G>T on transcript NM_024649.5 (MANE Select); coding-DNA position 999, G replaced by T.
Protein change: p.Met333Ile; replaces methionine 333 with isoleucine.
Molecular consequence: missense variant. On other transcripts: intron variant (1).
Genome position (GRCh38, 1-based): chr11:66,523,771, G>T. VCF-style: chr11-66523771-G-T. GRCh37 (hg19) VCF-style: chr11-66291242-G-T.
Other names: c.*22-2305C>A (NM_001348571.2); short protein forms M333I.
Identifiers: ClinVar variation 1460869 (VCV001460869.7), dbSNP rs1856357942, ClinGen allele CA381462210.

ClinVar aggregate classification (germline): Uncertain significance (1 of 4 stars; one submission).

Conditions:
Bardet-Biedl syndrome (BBS). Identifiers: Orphanet 110, MedGen C0752166, MONDO:0015229.

Allele frequency attached by ClinVar (database versions not stated): TOPMed below 0.00001.

Submission:

Labcorp Genetics (formerly Invitae), Labcorp
Classification: Uncertain significance for Bardet-Biedl syndrome. Last evaluated: 2022-06-20. Review status: criteria provided, single submitter. Criteria: Invitae Variant Classification Sherloc (09022015). Collection method: clinical testing. Allele origin: germline.
Comment: In summary, the available evidence is currently insufficient to determine the role of this variant in disease. Therefore, it has been classified as a Variant of Uncertain Significance. Algorithms developed to predict the effect of missense changes on protein structure and function (SIFT, PolyPhen-2, Align-GVGD) all suggest that this variant is likely to be tolerated. This variant has not been reported in the literature in individuals affected with BBS1-related conditions. This variant is not present in population databases (gnomAD no frequency). This sequence change replaces methionine, which is neutral and non-polar, with isoleucine, which is neutral and non-polar, at codon 333 of the BBS1 protein (p.Met333Ile).